The following continues an entry in ClinVar:

NM_016286.4(DCXR):c.150+6T>C

ClinVar aggregate classification (germline): Benign.

Submissions 33 to 42 of 42:

Dr. Peter K. Rogan Lab, Western University
No classification provided (evidence only). Condition: Malignant tumor of esophagus. Review status: no classification provided. Collection method: in vitro. Allele origin: not applicable. Functional consequence: retained intron. Not counted in ClinVar's aggregate classification.

Dr. Peter K. Rogan Lab, Western University
No classification provided (evidence only). Condition: Malignant tumor of esophagus. Review status: no classification provided. Collection method: in vitro. Allele origin: not applicable. Functional consequence: retained intron. Not counted in ClinVar's aggregate classification.

Dr. Peter K. Rogan Lab, Western University
No classification provided (evidence only). Condition: Malignant tumor of esophagus. Review status: no classification provided. Collection method: in vitro. Allele origin: not applicable. Functional consequence: skipped exon, retained intron. Not counted in ClinVar's aggregate classification.

Dr. Peter K. Rogan Lab, Western University
No classification provided (evidence only). Condition: Malignant tumor of esophagus. Review status: no classification provided. Collection method: in vitro. Allele origin: not applicable. Functional consequence: skipped exon, retained intron. Not counted in ClinVar's aggregate classification.

Dr. Peter K. Rogan Lab, Western University
No classification provided (evidence only). Condition: Malignant tumor of esophagus. Review status: no classification provided. Collection method: in vitro. Allele origin: not applicable. Functional consequence: skipped exon. Not counted in ClinVar's aggregate classification.

Dr. Peter K. Rogan Lab, Western University
No classification provided (evidence only). Condition: Malignant tumor of esophagus. Review status: no classification provided. Collection method: in vitro. Allele origin: not applicable. Functional consequence: skipped exon, retained intron. Not counted in ClinVar's aggregate classification.

Dr. Peter K. Rogan Lab, Western University
No classification provided (evidence only). Condition: Malignant tumor of esophagus. Review status: no classification provided. Collection method: in vitro. Allele origin: not applicable. Functional consequence: skipped exon, retained intron. Not counted in ClinVar's aggregate classification.

Dr. Peter K. Rogan Lab, Western University
No classification provided (evidence only). Condition: Malignant tumor of esophagus. Review status: no classification provided. Collection method: in vitro. Allele origin: not applicable. Functional consequence: skipped exon, retained intron. Not counted in ClinVar's aggregate classification.

Dr. Peter K. Rogan Lab, Western University
No classification provided (evidence only). Condition: Malignant tumor of esophagus. Review status: no classification provided. Collection method: in vitro. Allele origin: not applicable. Functional consequence: skipped exon, retained intron. Not counted in ClinVar's aggregate classification.

Dr. Peter K. Rogan Lab, Western University
No classification provided (evidence only). Condition: Malignant tumor of esophagus. Review status: no classification provided. Collection method: in vitro. Allele origin: not applicable. Functional consequence: skipped exon, retained intron. Not counted in ClinVar's aggregate classification.